The following is an entry in ClinVar:

ClinVar aggregate classification (germline): Uncertain significance (1 of 4 stars; one submission).

Submission:

Labcorp Genetics (formerly Invitae), Labcorp
Classification: Uncertain significance. Last evaluated: 2022-09-28. Review status: criteria provided, single submitter. Criteria: Invitae Variant Classification Sherloc (09022015). Collection method: clinical testing. Allele origin: germline.
Comment: This variant is not present in population databases (gnomAD no frequency). This sequence change replaces proline, which is neutral and non-polar, with serine, which is neutral and polar, at codon 675 of the BCL11B protein (p.Pro675Ser). This variant has not been reported in the literature in individuals affected with BCL11B-related conditions. In summary, the available evidence is currently insufficient to determine the role of this variant in disease. Therefore, it has been classified as a Variant of Uncertain Significance. Advanced modeling of protein sequence and biophysical properties (such as structural, functional, and spatial information, amino acid conservation, physicochemical variation, residue mobility, and thermodynamic stability) performed at Invitae indicates that this missense variant is not expected to disrupt BCL11B protein function.

NM_138576.4(BCL11B):c.2023C>T (p.Pro675Ser)

Gene: BCL11B (BCL11 transcription factor B; minus strand). Cytogenetic location: 14q32.2.
Variant type: single nucleotide variant.
Coding change: c.2023C>T on transcript NM_138576.4 (MANE Select); coding-DNA position 2023, C replaced by T.
Protein change: p.Pro675Ser; replaces proline 675 with serine.
Molecular consequence: missense variant.
Genome position (GRCh38, 1-based): chr14:99,174,813, G>A on the plus strand (C>T on the coding strand, the complement: BCL11B is on the minus strand). VCF-style: chr14-99174813-G-A. GRCh37 (hg19) VCF-style: chr14-99641150-G-A.
Other names: c.2020C>T, p.Pro674Ser (NM_001282237.2); c.1807C>T, p.Pro603Ser (NM_001282238.2); c.1810C>T, p.Pro604Ser (NM_022898.3); short protein forms P603S, P604S, P674S, P675S.
Identifiers: ClinVar variation 1720582 (VCV001720582.5), dbSNP rs1447273929, ClinGen allele CA390934119.
Genomic context (GRCh38, chr14:99,174,813, plus strand): 5'-CCAGGTCCTTCTCCACCTTGATGCGCTTGGCGGCGCTGTTGAGCCCGGGGCTGGGCAGCG[G>A]CGCGGGCTTGCGCGGGAAGAGCCCGGGGAAGGGCTCGGTGCCTGGCGCGAAGCCGCCCCC-3'
Protein context (NP_612808.1, residues 665-685): FPGLFPRKPA[Pro675Ser]LPSPGLNSAA